The following is an entry in ClinVar:

NM_004793.4(LONP1):c.1636C>T (p.Arg546Cys)

Gene: LONP1 (lon peptidase 1, mitochondrial; minus strand). Cytogenetic location: 19p13.3.
Variant type: single nucleotide variant.
Coding change: c.1636C>T on transcript NM_004793.4 (MANE Select); coding-DNA position 1636, C replaced by T.
Protein change: p.Arg546Cys; replaces arginine 546 with cysteine.
Molecular consequence: missense variant. On other transcripts: non-coding transcript variant (1).
Genome position (GRCh38, 1-based): chr19:5,699,076, G>A on the plus strand (C>T on the coding strand, the complement: LONP1 is on the minus strand). VCF-style: chr19-5699076-G-A. GRCh37 (hg19) VCF-style: chr19-5699087-G-A.
Other names: c.1444C>T, p.Arg482Cys (NM_001276479.2); c.1048C>T, p.Arg350Cys (NM_001276480.1); short protein forms R350C, R482C, R546C.
Identifiers: ClinVar variation 3606110 (VCV003606110.2).

ClinVar aggregate classification (germline): Uncertain significance (1 of 4 stars; one submission).

gnomAD v4.1: 10 of 1,608,710 alleles (0.00062%); highest among the groups gnomAD compares: South Asian, 0.0022%; no homozygotes.

Submission:

Labcorp Genetics (formerly Invitae), Labcorp
Classification: Uncertain significance. Last evaluated: 2024-03-13. Review status: criteria provided, single submitter. Criteria: Invitae Variant Classification Sherloc (09022015). Collection method: clinical testing. Allele origin: germline.
Comment: This sequence change replaces arginine, which is basic and polar, with cysteine, which is neutral and slightly polar, at codon 546 of the LONP1 protein (p.Arg546Cys). This variant is present in population databases (no rsID available, gnomAD 0.003%). This variant has not been reported in the literature in individuals affected with LONP1-related conditions. Advanced modeling of protein sequence and biophysical properties (such as structural, functional, and spatial information, amino acid conservation, physicochemical variation, residue mobility, and thermodynamic stability) performed at Invitae indicates that this missense variant is expected to disrupt LONP1 protein function with a positive predictive value of 80%. In summary, the available evidence is currently insufficient to determine the role of this variant in disease. Therefore, it has been classified as a Variant of Uncertain Significance.